The following is an entry in ClinVar:

ClinVar aggregate classification (germline): Uncertain significance. Review status: criteria provided, multiple submitters, no conflicts (2 of 4 stars). 2 submissions from 2 submitters: Uncertain significance (2). Last evaluated 2021-12-20.

Conditions:
Familial hypocalciuric hypercalcemia (FHH). Also called: Familial benign hypercalcemia. Identifiers: Orphanet 405, MedGen C1809471, MONDO:0018458.
Autosomal dominant hypocalcemia 1 (HYPOC1). Also called: HYPOCALCEMIA, FAMILIAL. Identifiers: MedGen C3715128, MONDO:0011013, OMIM 601198.
Nephrolithiasis/nephrocalcinosis. Identifiers: MedGen CN580796.

gnomAD v4.1: 1 of 1,613,924 alleles (0.000062%); highest among the groups gnomAD compares: Non-Finnish European, 0.000085%; no homozygotes.

Submissions (2):

Ambry Genetics
Classification: Uncertain significance for Nephrolithiasis/nephrocalcinosis. Last evaluated: 2021-12-20. Review status: criteria provided, single submitter. Criteria: Ambry Variant Classification Scheme 2023. Collection method: clinical testing. Allele origin: germline.
Comment: The p.A824V variant (also known as c.2471C>T), located in coding exon 6 of the CASR gene, results from a C to T substitution at nucleotide position 2471. The alanine at codon 824 is replaced by valine, an amino acid with similar properties. This amino acid position is conserved. In addition, this alteration is predicted to be deleterious by in silico analysis. Since supporting evidence is limited at this time, the clinical significance of this alteration remains unclear.

Labcorp Genetics (formerly Invitae), Labcorp
Classification: Uncertain significance for Familial hypocalciuric hypercalcemia; Autosomal dominant hypocalcemia 1. Last evaluated: 2021-05-10. Review status: criteria provided, single submitter. Criteria: Invitae Variant Classification Sherloc (09022015). Collection method: clinical testing. Allele origin: germline.
Comment: In summary, the available evidence is currently insufficient to determine the role of this variant in disease. Therefore, it has been classified as a Variant of Uncertain Significance. Algorithms developed to predict the effect of missense changes on protein structure and function are either unavailable or do not agree on the potential impact of this missense change (SIFT: "Deleterious"; PolyPhen-2: "Probably Damaging"; Align-GVGD: "Class C0"). This variant has not been reported in the literature in individuals with CASR-related conditions. This variant is not present in population databases (ExAC no frequency). This sequence change replaces alanine with valine at codon 824 of the CASR protein (p.Ala824Val). The alanine residue is highly conserved and there is a small physicochemical difference between alanine and valine.

NM_000388.4(CASR):c.2471C>T (p.Ala824Val)

Gene: CASR (calcium sensing receptor; plus strand). Cytogenetic location: 3q21.1.
Variant type: single nucleotide variant.
Coding change: c.2471C>T on transcript NM_000388.4 (MANE Select); coding-DNA position 2471, C replaced by T.
Protein change: p.Ala824Val; replaces alanine 824 with valine.
Molecular consequence: missense variant.
Genome position (GRCh38, 1-based): chr3:122,284,425, C>T. VCF-style: chr3-122284425-C-T. GRCh37 (hg19) VCF-style: chr3-122003272-C-T.
Other names: c.2501C>T, p.Ala834Val (NM_001178065.2); short protein forms A834V, A824V.
Identifiers: ClinVar variation 1352868 (VCV001352868.10), dbSNP rs2074939274, ClinGen allele CA354159999.